The following is an entry in ClinVar:

NM_007194.4(CHEK2):c.1241G>A (p.Gly414Glu)

Gene: CHEK2 (checkpoint kinase 2; minus strand). Cytogenetic location: 22q12.1.
Variant type: single nucleotide variant.
Coding change: c.1241G>A on transcript NM_007194.4 (MANE Select); coding-DNA position 1241, G replaced by A.
Protein change: p.Gly414Glu; replaces glycine 414 with glutamic acid.
Molecular consequence: missense variant.
Genome position (GRCh38, 1-based): chr22:28,695,728, C>T on the plus strand (G>A on the coding strand, the complement: CHEK2 is on the minus strand). VCF-style: chr22-28695728-C-T. GRCh37 (hg19) VCF-style: chr22-29091716-C-T.
Other names: c.1370G>A, p.Gly457Glu (NM_001005735.3); c.578G>A, p.Gly193Glu (NM_001257387.3); c.1040G>A, p.Gly347Glu (NM_001349956.3); c.1154G>A, p.Gly385Glu (NM_145862.3); short protein forms G347E, G385E, G414E, G457E, G193E.
Identifiers: ClinVar variation 645329 (VCV000645329.14), dbSNP rs1601721915, ClinGen allele CA411096594.
Genomic context (GRCh38, chr22:28,695,728, plus strand): 5'-TCACCTCCTACCAGTCTGTGCAGCAATGAAAATATTTCTTACCAGATAAAAAGAATAACT[C>T]CTAAACTCCAGCAGTCCACAGCACGGTTATACCCAGCAGTCCCAACAGAAACAAGAACTT-3'
Protein context (NP_009125.1, residues 404-424): YNRAVDCWSL[Gly414Glu]VILFICLSGY

ClinVar aggregate classification (germline): Uncertain significance. Review status: criteria provided, multiple submitters, no conflicts (2 of 4 stars). 2 submissions from 2 submitters: Uncertain significance (2). Last evaluated 2025-04-10.

Conditions:
Familial cancer of breast. Also called: hereditary breast carcinoma; Hereditary breast cancer; BREAST CANCER, FAMILIAL. Identifiers: Orphanet 227535, MedGen C0346153, MONDO:0016419, OMIM 114480. Disease mechanism: loss of function.
Hereditary cancer-predisposing syndrome. Also called: Hereditary Cancer Syndrome; Tumor predisposition; Hereditary neoplastic syndrome; Neoplastic Syndromes, Hereditary. Identifiers: Orphanet 140162, MedGen C0027672, MeSH D009386, MONDO:0015356.

Submissions (2):

Labcorp Genetics (formerly Invitae), Labcorp
Classification: Uncertain significance for Familial cancer of breast. Last evaluated: 2025-04-10. Review status: criteria provided, single submitter. Criteria: Invitae Variant Classification Sherloc (09022015). Collection method: clinical testing. Allele origin: germline.
Comment: This sequence change replaces glycine, which is neutral and non-polar, with glutamic acid, which is acidic and polar, at codon 414 of the CHEK2 protein (p.Gly414Glu). This variant is not present in population databases (gnomAD no frequency). This missense change has been observed in individual(s) with breast cancer (PMID: 34903604). ClinVar contains an entry for this variant (Variation ID: 645329). An algorithm developed to predict the effect of missense changes on protein structure and function (PolyPhen-2) suggests that this variant is likely to be disruptive. Experimental studies have shown that this missense change affects CHEK2 function (PMID: 34903604). In summary, the available evidence is currently insufficient to determine the role of this variant in disease. Therefore, it has been classified as a Variant of Uncertain Significance.

Ambry Genetics
Classification: Uncertain significance for Hereditary cancer-predisposing syndrome. Last evaluated: 2025-04-04. Review status: criteria provided, single submitter. Criteria: Ambry Variant Classification Scheme 2023. Collection method: clinical testing. Allele origin: germline.
Comment: The p.G414E variant (also known as c.1241G>A), located in coding exon 10 of the CHEK2 gene, results from a G to A substitution at nucleotide position 1241. The glycine at codon 414 is replaced by glutamic acid, an amino acid with similar properties. This alteration was reported as damaging in an mES cell-based assay of CHEK2 activity (Boonen RACM et al. Cancer Res, 2022 Feb;82:615-631). This amino acid position is highly conserved in available vertebrate species. In addition, this alteration is predicted to be deleterious by in silico analysis. Based on the available evidence, the clinical significance of this variant remains unclear.

Literature cited by the submitters: PubMed 34903604 (cited by Labcorp Genetics (formerly Invitae), Labcorp and Ambry Genetics).